The following is an entry in ClinVar:

ClinVar aggregate classification (germline): Uncertain significance (1 of 4 stars; one submission).

Conditions:
Epileptic encephalopathy. Identifiers: MedGen C0543888, HP:0200134.

Allele frequency attached by ClinVar (database versions not stated): gnomAD exomes below 0.00001.
gnomAD v4.1: 1 of 1,596,722 alleles (0.000063%); highest among the groups gnomAD compares: Non-Finnish European, 0.000085%; no homozygotes.

Submission:

Labcorp Genetics (formerly Invitae), Labcorp
Classification: Uncertain significance for Epileptic encephalopathy. Last evaluated: 2023-11-24. Review status: criteria provided, single submitter. Criteria: Invitae Variant Classification Sherloc (09022015). Collection method: clinical testing. Allele origin: germline.
Comment: This sequence change replaces glycine, which is neutral and non-polar, with aspartic acid, which is acidic and polar, at codon 603 of the GABBR2 protein (p.Gly603Asp). This variant is not present in population databases (gnomAD no frequency). This variant has not been reported in the literature in individuals affected with GABBR2-related conditions. Advanced modeling of protein sequence and biophysical properties (such as structural, functional, and spatial information, amino acid conservation, physicochemical variation, residue mobility, and thermodynamic stability) performed at Invitae indicates that this missense variant is expected to disrupt GABBR2 protein function with a positive predictive value of 80%. In summary, the available evidence is currently insufficient to determine the role of this variant in disease. Therefore, it has been classified as a Variant of Uncertain Significance.

NM_005458.8(GABBR2):c.1808G>A (p.Gly603Asp)

Gene: GABBR2 (gamma-aminobutyric acid type B receptor subunit 2; minus strand). Cytogenetic location: 9q22.33.
Variant type: single nucleotide variant.
Coding change: c.1808G>A on transcript NM_005458.8 (MANE Select); coding-DNA position 1808, G replaced by A.
Protein change: p.Gly603Asp; replaces glycine 603 with aspartic acid.
Molecular consequence: missense variant.
Genome position (GRCh38, 1-based): chr9:98,362,800, C>T on the plus strand (G>A on the coding strand, the complement: GABBR2 is on the minus strand). VCF-style: chr9-98362800-C-T. GRCh37 (hg19) VCF-style: chr9-101125082-C-T.
Other names: short protein forms G603D.
Identifiers: ClinVar variation 2698640 (VCV002698640.3), dbSNP rs1564031721, ClinGen allele CA374212461.